The following is an entry in ClinVar:

ClinVar aggregate classification (germline): Uncertain significance. Review status: criteria provided, multiple submitters, no conflicts (2 of 4 stars). 6 submissions from 6 submitters: Uncertain significance (6). Last evaluated 2023-11-22.

Conditions:
PKHD1-related disorder. Also called: PKHD1-related condition.
Polycystic kidney disease 4 (PKD4). Also called: PKD3; POLYCYSTIC KIDNEY AND HEPATIC DISEASE 1; POLYCYSTIC KIDNEY DISEASE, INFANTILE, TYPE I; POLYCYSTIC KIDNEY DISEASE 4 WITH OR WITHOUT POLYCYSTIC LIVER DISEASE; Autosomal Recessive Polycystic Kidney Disease – PKHD1. Identifiers: MedGen C4540575, MONDO:0033004, OMIM 263200.
Autosomal recessive polycystic kidney disease (ARPKD). Also called: AR polycystic kidney disease. Identifiers: Orphanet 731, Orphanet 8378, MedGen C0085548, MeSH D017044, MONDO:0009889.

Allele frequency attached by ClinVar (database versions not stated): gnomAD below 0.00001 and 0.00001; gnomAD exomes 0.00001; ExAC 0.00002; TOPMed 0.00002.
gnomAD v4.1: 10 of 1,613,286 alleles (0.00062%); highest among the groups gnomAD compares: African/African-American, 0.0067%; no homozygotes.

Submissions (6):

Revvity Omics, Revvity
Classification: Uncertain significance for Polycystic kidney disease 4. Last evaluated: 2023-11-22. Review status: criteria provided, single submitter. Criteria: ACMG Guidelines, 2015. Collection method: clinical testing. Allele origin: germline.

PreventionGenetics, part of Exact Sciences
Classification: Uncertain significance for PKHD1-related condition. Last evaluated: 2023-01-15. Review status: criteria provided, single submitter. Criteria: ACMG Guidelines, 2015. Collection method: clinical testing. Allele origin: germline.
Comment: The PKHD1 c.5751G>A variant is not predicted to result in an amino acid change (p.=). To our knowledge, this variant has not been reported in the literature. This variant is reported in 0.0080% of alleles in individuals of African descent in gnomAD. This G>A substitution occurs at the very last nucleotide of exon 35, and the splicing prediction programs indicate that this substitution abolishes the canonical donor splice site signal for exon 35 (Alamut Visual v2.11). Although we suspect that this variant may be pathogenic, at this time, the clinical significance of this variant is uncertain due to the absence of conclusive functional and genetic evidence.

Fulgent Genetics
Classification: Uncertain significance for Polycystic kidney disease 4. Last evaluated: 2022-03-21. Review status: criteria provided, single submitter. Criteria: ACMG Guidelines, 2015. Collection method: clinical testing. Allele origin: unknown.

Labcorp Genetics (formerly Invitae), Labcorp
Classification: Uncertain significance for Autosomal recessive polycystic kidney disease. Last evaluated: 2021-06-23. Review status: criteria provided, single submitter. Criteria: Invitae Variant Classification Sherloc (09022015). Collection method: clinical testing. Allele origin: germline.
Comment: This sequence change affects codon 1917 of the PKHD1 mRNA. It is a 'silent' change, meaning that it does not change the encoded amino acid sequence of the PKHD1 protein. This variant also falls at the last nucleotide of exon 35, which is part of the consensus splice site for this exon. This variant is present in population databases (rs398124489, ExAC 0.01%). This variant has not been reported in the literature in individuals affected with PKHD1-related conditions. ClinVar contains an entry for this variant (Variation ID: 96413). Nucleotide substitutions within the consensus splice site are a relatively common cause of aberrant splicing (PMID: 17576681, 9536098). Algorithms developed to predict the effect of sequence changes on RNA splicing suggest that this variant may disrupt the consensus splice site. In summary, the available evidence is currently insufficient to determine the role of this variant in disease. Therefore, it has been classified as a Variant of Uncertain Significance.

Eurofins Ntd Llc (ga)
Classification: Uncertain significance. Last evaluated: 2013-03-26. Review status: criteria provided, single submitter. Criteria: EGL Classification Definitions 2015. Collection method: clinical testing. Allele origin: germline. Observed: 3 variant alleles, 3 heterozygotes.

Neuberg Centre For Genomic Medicine, NCGM
Classification: Uncertain significance for Polycystic kidney disease 4. Review status: criteria provided, single submitter. Criteria: ACMG Guidelines, 2015. Collection method: clinical testing. Allele origin: germline. Inheritance: Autosomal recessive inheritance. Affected: yes.
Comment: The synonymous c.5751G>A p.Gln1917Gln variant in the splice region has not been reported previously as a pathogenic variant nor as a benign variant, to our knowledge. The p.Gln1917Gln is reported with an allele frequency of 0.001% in the gnomAD exomes database and is novel not in any individuals in 1000 Genomes database. This variant has been reported to the ClinVar database as Uncertain Significance. Splice AI predicts a donor Loss of 0.44 for this variant. Splice site is location 1 position downstream of this variant. For these reasons, this variant has been classified as a Variant of Uncertain Significance VUS.

Literature cited by the submitters: PubMed 17576681 (cited by Labcorp Genetics (formerly Invitae), Labcorp); PubMed 9536098 (cited by Labcorp Genetics (formerly Invitae), Labcorp).

NM_138694.4(PKHD1):c.5751G>A (p.Gln1917=)

Gene: PKHD1 (PKHD1 ciliary IPT domain containing fibrocystin/polyductin; minus strand). Cytogenetic location: 6p12.2.
Variant type: single nucleotide variant.
Coding change: c.5751G>A on transcript NM_138694.4 (MANE Select); coding-DNA position 5751, G replaced by A.
Protein change: p.Gln1917=; no amino-acid change (glutamine 1917 retained).
Molecular consequence: synonymous variant.
Genome position (GRCh38, 1-based): chr6:52,010,309, C>T on the plus strand (G>A on the coding strand, the complement: PKHD1 is on the minus strand). VCF-style: chr6-52010309-C-T. GRCh37 (hg19) VCF-style: chr6-51875107-C-T.
Other names: c.5751G>A, p.Gln1917= (NM_170724.3).
Identifiers: ClinVar variation 96413 (VCV000096413.12), dbSNP rs398124489, ClinGen allele CA224084.